The following is an entry in ClinVar:

NM_004629.2(FANCG):c.1492A>C (p.Asn498His)

Gene: FANCG (FA complementation group G; minus strand). Cytogenetic location: 9p13.3.
Variant type: single nucleotide variant.
Coding change: c.1492A>C on transcript NM_004629.2 (MANE Select); coding-DNA position 1492, A replaced by C.
Protein change: p.Asn498His; replaces asparagine 498 with histidine.
Molecular consequence: missense variant.
Genome position (GRCh38, 1-based): chr9:35,075,071, T>G on the plus strand (A>C on the coding strand, the complement: FANCG is on the minus strand). VCF-style: chr9-35075071-T-G. GRCh37 (hg19) VCF-style: chr9-35075068-T-G.
Other names: short protein forms N498H.
Identifiers: ClinVar variation 836334 (VCV000836334.9), dbSNP rs748364103, ClinGen allele CA5039712.

ClinVar aggregate classification (germline): Uncertain significance. Review status: criteria provided, multiple submitters, no conflicts (2 of 4 stars). 3 submissions from 3 submitters: Uncertain significance (3). Last evaluated 2026-02-11.

Conditions:
Fanconi anemia (FA). Also called: Fanconi's anemia. Identifiers: Orphanet 84, MedGen C0015625, MeSH D005199, MONDO:0019391.
Fanconi anemia complementation group G. Also called: FANCG-Related Fanconi Anemia; Fanconi anemia group G. Identifiers: Orphanet 84, MedGen C3469527, MONDO:0013565, OMIM 614082.

Allele frequency attached by ClinVar (database versions not stated): gnomAD exomes below 0.00001 and 0.00001; ExAC 0.00001; gnomAD 0.00001; TOPMed 0.00001.

Submissions (3):

St. Jude Molecular Pathology, St. Jude Children's Research Hospital
Classification: Uncertain significance for Fanconi anemia complementation group G. Last evaluated: 2026-02-11. Review status: criteria provided, single submitter. Criteria: St. Jude Assertion Criteria 2020. Collection method: clinical testing. Allele origin: germline.
Comment: The FANCG c.1492A>C p.(Asn498His) missense change has a maximum subpopulation frequency of 0.005% in gnomAD v2.1.1. The in silico tool REVEL predicts a benign effect on protein function, but to our knowledge this prediction has not been confirmed by functional studies. To our knowledge, this variant has not been reported in individuals with Fanconi anemia. In summary, the evidence currently available is insufficient to determine the clinical significance of this variant. It has therefore been classified as of uncertain significance.

Labcorp Genetics (formerly Invitae), Labcorp
Classification: Uncertain significance for Fanconi anemia. Last evaluated: 2022-02-17. Review status: criteria provided, single submitter. Criteria: Invitae Variant Classification Sherloc (09022015). Collection method: clinical testing. Allele origin: germline.
Comment: This sequence change replaces asparagine, which is neutral and polar, with histidine, which is basic and polar, at codon 498 of the FANCG protein (p.Asn498His). This variant is present in population databases (rs748364103, gnomAD 0.006%). This variant has not been reported in the literature in individuals affected with FANCG-related conditions. ClinVar contains an entry for this variant (Variation ID: 836334). Algorithms developed to predict the effect of missense changes on protein structure and function are either unavailable or do not agree on the potential impact of this missense change (SIFT: "Tolerated"; PolyPhen-2: "Possibly Damaging"; Align-GVGD: "Class C0"). Algorithms developed to predict the effect of sequence changes on RNA splicing suggest that this variant is not likely to affect RNA splicing. In summary, the available evidence is currently insufficient to determine the role of this variant in disease. Therefore, it has been classified as a Variant of Uncertain Significance.

Fulgent Genetics
Classification: Uncertain significance for Fanconi anemia complementation group G. Last evaluated: 2021-09-09. Review status: criteria provided, single submitter. Criteria: ACMG Guidelines, 2015. Collection method: clinical testing. Allele origin: unknown.